The following is an entry in ClinVar:

ClinVar aggregate classification (germline): Uncertain significance. Review status: criteria provided, multiple submitters, no conflicts (2 of 4 stars). 4 submissions from 4 submitters: Uncertain significance (3). 1 of the submissions does not count toward it. Last evaluated 2024-07-11.

Conditions:
Isolated hereditary giant platelet disorder. Identifiers: Orphanet 220452, MedGen C5679822, MONDO:0016361.
GNE myopathy (NM). Also called: MYOPATHY, DISTAL, WITH OR WITHOUT RIMMED VACUOLES; NONAKA DISTAL MYOPATHY; INCLUSION BODY MYOPATHY, HEREDITARY, AUTOSOMAL RECESSIVE; INCLUSION BODY MYOPATHY 2, AUTOSOMAL RECESSIVE; IBM 2; Inclusion body myopathy autosomal recessive. Identifiers: Orphanet 602, MedGen C1853926, MONDO:0011603, OMIM 605820.
Sialuria. Also called: SIALURIA, FRENCH TYPE; Sialic Acid Storage Disease. Identifiers: Orphanet 3166, MedGen C0342853, MONDO:0010028, OMIM 269921.

Submissions (4):

Human Genetics Section, Sidra Medicine
Classification: Uncertain significance for Isolated hereditary giant platelet disorder. Last evaluated: 2024-07-11. Review status: criteria provided, single submitter. Criteria: ACMG Guidelines, 2015. Collection method: research. Allele origin: germline. Inheritance: Autosomal recessive inheritance. Affected: yes. Observed: 1 homozygote.
Comment: Clarification (August 6, 2024): Franklin and VarSome were utilized as supplementary tools to predict the pathogenicity of the identified variant. Consequently, Whole Genome Sequencing (WGS) was performed, which identified the variant responsible for the observed phenotypes. We are currently preparing the publication detailing these findings, and the PubMed ID (PMID) will be provided upon its release.

Women's Health and Genetics/Laboratory Corporation of America, LabCorp
Classification: Uncertain significance. Last evaluated: 2024-03-11. Review status: criteria provided, single submitter. Criteria: LabCorp Variant Classification Summary - May 2015. Collection method: clinical testing. Allele origin: germline.
Comment: Variant summary: GNE c.1732G>A (p.Gly578Ser) results in a non-conservative amino acid change in the encoded protein sequence. Five of five in-silico tools predict a damaging effect of the variant on protein function. The variant allele was found at a frequency of 8e-06 in 251470 control chromosomes (gnomAD). The available data on variant occurrences in the general population are insufficient to allow any conclusion about variant significance. To our knowledge, no occurrence of c.1732G>A in individuals affected with Inclusion Body Myopathy 2 and no experimental evidence demonstrating its impact on protein function have been reported. ClinVar contains an entry for this variant (Variation ID: 575796). Based on the evidence outlined above, the variant was classified as uncertain significance.

Labcorp Genetics (formerly Invitae), Labcorp
Classification: Uncertain significance for Sialuria; GNE myopathy. Last evaluated: 2021-09-01. Review status: criteria provided, single submitter. Criteria: Invitae Variant Classification Sherloc (09022015). Collection method: clinical testing. Allele origin: germline.
Comment: This sequence change replaces glycine with serine at codon 578 of the GNE protein (p.Gly578Ser). The glycine residue is highly conserved and there is a small physicochemical difference between glycine and serine. This variant is not present in population databases (ExAC no frequency). This variant has not been reported in the literature in individuals affected with GNE-related conditions. Algorithms developed to predict the effect of missense changes on protein structure and function (SIFT, PolyPhen-2, Align-GVGD) all suggest that this variant is likely to be disruptive. In summary, the available evidence is currently insufficient to determine the role of this variant in disease. Therefore, it has been classified as a Variant of Uncertain Significance.

Natera, Inc.
Classification: Uncertain significance for Nonaka myopathy. Last evaluated: 2021-02-25. Review status: no assertion criteria provided. Collection method: clinical testing. Allele origin: germline. Not counted in ClinVar's aggregate classification.

NM_005476.7(GNE):c.1639G>A (p.Gly547Ser)

Gene: GNE (glucosamine (UDP-N-acetyl)-2-epimerase/N-acetylmannosamine kinase; minus strand). Cytogenetic location: 9p13.3.
Variant type: single nucleotide variant.
Coding change: c.1639G>A on transcript NM_005476.7 (MANE Select); coding-DNA position 1639, G replaced by A.
Protein change: p.Gly547Ser; replaces glycine 547 with serine.
Molecular consequence: missense variant.
Genome position (GRCh38, 1-based): chr9:36,220,015, C>T on the plus strand (G>A on the coding strand, the complement: GNE is on the minus strand). VCF-style: chr9-36220015-C-T. GRCh37 (hg19) VCF-style: chr9-36220012-C-T.
Other names: c.1732G>A, p.Gly578Ser (NM_001128227.3); c.1417G>A, p.Gly473Ser (NM_001190383.3); c.1309G>A, p.Gly437Ser (NM_001190384.3); c.1462G>A, p.Gly488Ser (NM_001190388.2, NM_001374798.1); c.1486G>A, p.Gly496Ser (NM_001374797.1); short protein forms G547S, G578S, G437S, G473S, G488S, G496S.
Identifiers: ClinVar variation 575796 (VCV000575796.11), dbSNP rs1306768272, ClinGen allele CA373425912.